The following is an entry in ClinVar:

ClinVar aggregate classification (germline): Uncertain significance (1 of 4 stars; one submission).

Submission:

Labcorp Genetics (formerly Invitae), Labcorp
Classification: Uncertain significance. Last evaluated: 2024-10-21. Review status: criteria provided, single submitter. Criteria: Invitae Variant Classification Sherloc (09022015). Collection method: clinical testing. Allele origin: germline.
Comment: This sequence change creates a premature translational stop signal (p.Trp290*) in the ICOSLG gene. While this is not anticipated to result in nonsense mediated decay, it is expected to disrupt the last 13 amino acid(s) of the ICOSLG protein. This variant is not present in population databases (gnomAD no frequency). This variant has not been reported in the literature in individuals affected with ICOSLG-related conditions. Experimental studies and prediction algorithms are not available or were not evaluated, and the functional significance of this variant is currently unknown. In summary, the available evidence is currently insufficient to determine the role of this variant in disease. Therefore, it has been classified as a Variant of Uncertain Significance.

NM_015259.6(ICOSLG):c.870G>A (p.Trp290Ter)

Gene: ICOSLG (inducible T cell costimulator ligand; minus strand). Cytogenetic location: 21q22.3.
Variant type: single nucleotide variant.
Coding change: c.870G>A on transcript NM_015259.6 (MANE Select); coding-DNA position 870, G replaced by A.
Protein change: p.Trp290Ter; replaces tryptophan 290 with a stop codon.
Molecular consequence: nonsense.
Genome position (GRCh38, 1-based): chr21:44,230,082, C>T on the plus strand (G>A on the coding strand, the complement: ICOSLG is on the minus strand). VCF-style: chr21-44230082-C-T. GRCh37 (hg19) VCF-style: chr21-45649965-C-T.
Other names: c.870G>A, p.Trp290Ter (NM_001283050.2, NM_001395918.1); c.519G>A, p.Trp173Ter (NM_001283051.2); c.615G>A, p.Trp205Ter (NM_001283052.2); c.789G>A, p.Trp263Ter (NM_001365759.2); short protein forms W290*, W205*, W173*, W263*.
Identifiers: ClinVar variation 3006702 (VCV003006702.3), dbSNP rs2517836001, ClinGen allele CA410612963.